The following is an entry in ClinVar:

ClinVar aggregate classification (germline): Uncertain significance (1 of 4 stars; one submission).

Conditions:
Catecholaminergic polymorphic ventricular tachycardia (CVPT). Also called: Catecholamine-induced polymorphic ventricular tachycardia. Identifiers: Orphanet 3286, MedGen C5574922, MONDO:0017990.

Submission:

All of Us Research Program, National Institutes of Health
Classification: Uncertain significance for Catecholaminergic polymorphic ventricular tachycardia. Last evaluated: 2023-08-08. Review status: criteria provided, single submitter. Criteria: ACMG Guidelines, 2015. Collection method: clinical testing. Allele origin: germline. Inheritance: Autosomal dominant inheritance. Observed: 1 variant allele, 1 heterozygote.
Comment: This missense variant replaces arginine with glycine at codon 1028 of the RYR2 protein. Computational prediction suggests that this variant may have deleterious impact on protein structure and function (internally defined REVEL score threshold >= 0.7, PMID: 27666373). To our knowledge, functional studies have not been reported for this variant. This variant has not been reported in individuals affected with RYR2-related disorders in the literature. This variant has not been identified in the general population by the Genome Aggregation Database (gnomAD). The available evidence is insufficient to determine the role of this variant in disease conclusively. Therefore, this variant is classified as a Variant of Uncertain Significance.

This study involves interpretation of variants in research participants for the purpose of population health screening. Participant phenotype was not available at the time of variant classification. Additional details can be found in publication PMID: 35346344, PMCID: PMC8962531

NM_001035.3(RYR2):c.3082A>G (p.Arg1028Gly)

Gene: RYR2 (ryanodine receptor 2; plus strand). Cytogenetic location: 1q43.
Variant type: single nucleotide variant.
Coding change: c.3082A>G on transcript NM_001035.3 (MANE Select); coding-DNA position 3082, A replaced by G.
Protein change: p.Arg1028Gly; replaces arginine 1028 with glycine.
Molecular consequence: missense variant.
Genome position (GRCh38, 1-based): chr1:237,550,559, A>G. VCF-style: chr1-237550559-A-G. GRCh37 (hg19) VCF-style: chr1-237713859-A-G.
Other names: short protein forms R1028G.
Identifiers: ClinVar variation 3072569 (VCV003072569.1), dbSNP rs2546296453, ClinGen allele CA345394488.
Genomic context (GRCh38, chr1:237,550,559, plus strand): 5'-GCCCTTGGTATTGCTTTGACGGCTGCACCCTGTGTTTTCCTGCAGGACGTAAAGAACAGA[A>G]GAAATCCTCGCCTTGTTCCCTACACTCTTCTGGATGACCGAACCAAGAAATCCAACAAGG-3'
Protein context (NP_001026.2, residues 1018-1038): YGIQQDVKNR[Arg1028Gly]NPRLVPYTLL